The following is an entry in ClinVar:

ClinVar aggregate classification (germline): Uncertain significance. Review status: criteria provided, multiple submitters, no conflicts (2 of 4 stars). 2 submissions from 2 submitters: Uncertain significance (2). Last evaluated 2024-11-26.

Allele frequency attached by ClinVar (database versions not stated): ExAC 0.00001; gnomAD 0.00001; gnomAD exomes 0.00001; TOPMed 0.00001.
gnomAD v4.1: 16 of 1,612,610 alleles (0.00099%); highest among the groups gnomAD compares: Non-Finnish European, 0.0013%; no homozygotes.

Submissions (2):

Mayo Clinic Laboratories, Mayo Clinic
Classification: Uncertain significance. Last evaluated: 2024-11-26. Review status: criteria provided, single submitter. Criteria: ACMG Guidelines, 2015. Collection method: clinical testing. Allele origin: germline. Observed: 1 variant allele.
Comment: BP4, PM2_moderate

Labcorp Genetics (formerly Invitae), Labcorp
Classification: Uncertain significance. Last evaluated: 2021-01-29. Review status: criteria provided, single submitter. Criteria: Invitae Variant Classification Sherloc (09022015). Collection method: clinical testing. Allele origin: germline.
Comment: In summary, the available evidence is currently insufficient to determine the role of this variant in disease. Therefore, it has been classified as a Variant of Uncertain Significance. Advanced modeling of protein sequence and biophysical properties (such as structural, functional, and spatial information, amino acid conservation, physicochemical variation, residue mobility, and thermodynamic stability) performed at Invitae indicates that this missense variant is not expected to disrupt PNPT1 protein function. This variant has not been reported in the literature in individuals with PNPT1-related conditions. This variant is present in population databases (rs751952453, ExAC 0.002%). This sequence change replaces threonine with serine at codon 213 of the PNPT1 protein (p.Thr213Ser). The threonine residue is moderately conserved and there is a small physicochemical difference between threonine and serine.

NM_033109.5(PNPT1):c.637A>T (p.Thr213Ser)

Gene: PNPT1 (polyribonucleotide nucleotidyltransferase 1; minus strand). Cytogenetic location: 2p16.1.
Variant type: single nucleotide variant.
Coding change: c.637A>T on transcript NM_033109.5 (MANE Select); coding-DNA position 637, A replaced by T.
Protein change: p.Thr213Ser; replaces threonine 213 with serine.
Molecular consequence: missense variant.
Genome position (GRCh38, 1-based): chr2:55,679,724, T>A on the plus strand (A>T on the coding strand, the complement: PNPT1 is on the minus strand). VCF-style: chr2-55679724-T-A. GRCh37 (hg19) VCF-style: chr2-55906859-T-A.
Other names: p.Thr213Ser; short protein forms T213S.
Identifiers: ClinVar variation 1464749 (VCV001464749.9), dbSNP rs751952453, ClinGen allele CA1668388.